The following is an entry in ClinVar:

ClinVar aggregate classification (germline): Uncertain significance (1 of 4 stars; one submission).

Conditions:
Developmental and epileptic encephalopathy, 54. Also called: HNRNPU-Related Neurodevelopmental Disorder; Epileptic encephalopathy, early infantile, 54. Identifiers: MedGen C4479319, MONDO:0033363, OMIM 617391.

Submission:

Labcorp Genetics (formerly Invitae), Labcorp
Classification: Uncertain significance for Developmental and epileptic encephalopathy, 54. Last evaluated: 2024-03-04. Review status: criteria provided, single submitter. Criteria: Invitae Variant Classification Sherloc (09022015). Collection method: clinical testing. Allele origin: germline.
Comment: This variant, c.2322_2339del, results in the deletion of 6 amino acid(s) of the HNRNPU protein (p.Gly775_Gly780del), but otherwise preserves the integrity of the reading frame. This variant is not present in population databases (gnomAD no frequency). This variant has not been reported in the literature in individuals affected with HNRNPU-related conditions. ClinVar contains an entry for this variant (Variation ID: 1400088). Experimental studies and prediction algorithms are not available or were not evaluated, and the functional significance of this variant is currently unknown. In summary, the available evidence is currently insufficient to determine the role of this variant in disease. Therefore, it has been classified as a Variant of Uncertain Significance.

NM_031844.3(HNRNPU):c.2322_2339del (p.Gly775_Gly780del)

Gene: HNRNPU (heterogeneous nuclear ribonucleoprotein U; minus strand). Cytogenetic location: 1q44.
Variant type: Deletion.
Coding change: c.2322_2339del on transcript NM_031844.3 (MANE Select); coding-DNA positions 2322 to 2339, 18 bases deleted (TGGAATGCCCAACAGAGG).
Protein change: p.Gly775_Gly780del.
Molecular consequence: inframe deletion.
Genome position (GRCh38, 1-based): chr1:244,855,437-244,855,454, CCTCTGTTGGGCATTCCA deleted on the plus strand (TGGAATGCCCAACAGAGG on the coding strand, the reverse complement: HNRNPU is on the minus strand); deleting any 18 consecutive bases within chr1:244,855,437-244,855,463 gives the same sequence; the c. name uses the placement nearest the transcript's 3' end. VCF-style (leftmost placement, unchanged base first): chr1-244855436-CCCTCTGTTGGGCATTCCA-C. GRCh37 (hg19) VCF-style: chr1-245018738-CCCTCTGTTGGGCATTCCA-C.
Other names: c.2265_2282del, p.Gly756_Gly761del (NM_004501.3).
Identifiers: ClinVar variation 1400088 (VCV001400088.8), dbSNP rs1385034915, ClinGen allele CA733941386.